The following is an entry in ClinVar:

ClinVar aggregate classification (germline): Benign/Likely benign. Review status: criteria provided, multiple submitters, no conflicts (2 of 4 stars). 21 submissions from 14 submitters: Benign (13); Likely benign (6). 2 of the submissions do not count toward it. Last evaluated 2026-02-01.

Conditions:
Cardiovascular phenotype. Identifiers: MedGen CN230736.
Autosomal recessive limb-girdle muscular dystrophy type 2J (LGMDR10). Also called: Limb-girdle muscular dystrophy, type 2J; MUSCULAR DYSTROPHY, LIMB-GIRDLE, AUTOSOMAL RECESSIVE 10. Identifiers: Orphanet 140922, MedGen C1837342, MONDO:0012127, OMIM 608807.
Dilated cardiomyopathy 1G (CMD1G). Identifiers: Orphanet 154, MedGen C1858763, MONDO:0011400, OMIM 604145.
Cardiomyopathy (CMYO). Also called: Cardiomyopathies. Identifiers: Orphanet 167848, MedGen C0878544, MONDO:0004994, HP:0001638. Inheritance: Various modes of inheritance.
Early-onset myopathy with fatal cardiomyopathy (CMYO5). Also called: Salih Myopathy; CONGENITAL MYOPATHY 5 WITH CARDIOMYOPATHY. Identifiers: Orphanet 289377, MedGen C2673677, MONDO:0012714, OMIM 611705. Disease mechanism: loss of function.
Myopathy, myofibrillar, 9, with early respiratory failure (MFM9). Also called: Hereditary myopathy with early respiratory failure; EDSTROM MYOPATHY; MYOPATHY, PROXIMAL, WITH EARLY RESPIRATORY MUSCLE INVOLVEMENT; Myopathy, distal, with early respiratory failure, autosomal dominant. Identifiers: Orphanet 178464, Orphanet 34521, MedGen C1863599, MONDO:0011362, OMIM 603689.
Tibial muscular dystrophy (TMD). Also called: UDD MYOPATHY; Udd Distal Myopathy – Tibial Muscular Dystrophy; Tibial muscular dystrophy, tardive. Identifiers: Orphanet 609, MedGen C1838244, MONDO:0010870, OMIM 600334.

Allele frequency attached by ClinVar (database versions not stated): TOPMed 0.00168; 1000 Genomes Project 30x 0.00219; 1000 Genomes Project 0.00240.
gnomAD v4.1: 881 of 1,613,354 alleles (0.055%); highest among the groups gnomAD compares: East Asian, 1.8%; 8 homozygotes.

Submissions (22):

Labcorp Genetics (formerly Invitae), Labcorp
Classification: Benign for Dilated cardiomyopathy 1G; Autosomal recessive limb-girdle muscular dystrophy type 2J. Last evaluated: 2026-02-01. Review status: criteria provided, single submitter. Criteria: Invitae Variant Classification Sherloc (09022015). Collection method: clinical testing. Allele origin: germline.

Molecular Diagnostic Laboratory for Inherited Cardiovascular Disease, Montreal Heart Institute
Classification: Likely benign. Last evaluated: 2025-07-24. Review status: criteria provided, single submitter. Criteria: ACMG Guidelines, 2015. Collection method: clinical testing. Allele origin: germline. Affected: no.
Comment: BS1;BP7

ARUP Laboratories, Molecular Genetics and Genomics, ARUP Laboratories
Classification: Benign. Last evaluated: 2025-01-15. Review status: criteria provided, single submitter. Criteria: ARUP Molecular Germline Variant Investigation Process 2024. Collection method: clinical testing. Allele origin: germline.

Blueprint Genetics
Classification: Likely benign. Last evaluated: 2024-11-08. Review status: criteria provided, single submitter. Criteria: ACMG Guidelines, 2015. Collection method: clinical testing. Allele origin: germline.

Women's Health and Genetics/Laboratory Corporation of America, LabCorp
Classification: Benign. Last evaluated: 2023-12-03. Review status: criteria provided, single submitter. Criteria: LabCorp Variant Classification Summary - May 2015. Collection method: clinical testing. Allele origin: germline.

Genome-Nilou Lab
Classification: Benign for Autosomal recessive limb-girdle muscular dystrophy type 2J. Last evaluated: 2021-09-10. Review status: criteria provided, single submitter. Criteria: ACMG Guidelines, 2015. Collection method: clinical testing. Allele origin: germline. Affected: no.

Genome-Nilou Lab
Classification: Benign for Myopathy, myofibrillar, 9, with early respiratory failure. Last evaluated: 2021-09-10. Review status: criteria provided, single submitter. Criteria: ACMG Guidelines, 2015. Collection method: clinical testing. Allele origin: germline. Affected: no.

Genome-Nilou Lab
Classification: Benign for Early-onset myopathy with fatal cardiomyopathy. Last evaluated: 2021-09-10. Review status: criteria provided, single submitter. Criteria: ACMG Guidelines, 2015. Collection method: clinical testing. Allele origin: germline. Affected: no.

Genome-Nilou Lab
Classification: Benign for Tibial muscular dystrophy. Last evaluated: 2021-09-10. Review status: criteria provided, single submitter. Criteria: ACMG Guidelines, 2015. Collection method: clinical testing. Allele origin: germline. Affected: no.

Athena Diagnostics
Classification: Benign. Last evaluated: 2021-06-07. Review status: criteria provided, single submitter. Criteria: Athena Diagnostics criteria. Collection method: clinical testing. Allele origin: unknown.

Ambry Genetics
Classification: Benign for Cardiovascular phenotype. Last evaluated: 2019-12-12. Review status: criteria provided, single submitter. Criteria: Ambry Variant Classification Scheme 2023. Collection method: clinical testing. Allele origin: germline.

Illumina Laboratory Services, Illumina
Classification: Benign for Tibial muscular dystrophy. Last evaluated: 2018-01-13. Review status: criteria provided, single submitter. Criteria: ICSL Variant Classification Criteria 13 December 2019. Collection method: clinical testing. Allele origin: germline.
Comment: This variant was observed in the ICSL laboratory as part of a predisposition screen in an ostensibly healthy population. It had not been previously curated by ICSL or reported in the Human Gene Mutation Database (HGMD: prior to June 1st, 2018), and was therefore a candidate for classification through an automated scoring system. Utilizing variant allele frequency, disease prevalence and penetrance estimates, and inheritance mode, an automated score was calculated to assess if this variant is too frequent to cause the disease. Based on the score and internal cut-off values, a variant classified as benign is not then subjected to further curation. The score for this variant resulted in a classification of benign for this disease.

Illumina Laboratory Services, Illumina
Classification: Likely benign for Dilated cardiomyopathy 1G. Last evaluated: 2018-01-13. Review status: criteria provided, single submitter. Criteria: ICSL Variant Classification Criteria 13 December 2019. Collection method: clinical testing. Allele origin: germline.
Comment: This variant was observed in the ICSL laboratory as part of a predisposition screen in an ostensibly healthy population. It had not been previously curated by ICSL or reported in the Human Gene Mutation Database (HGMD: prior to June 1st, 2018), and was therefore a candidate for classification through an automated scoring system. Utilizing variant allele frequency, disease prevalence and penetrance estimates, and inheritance mode, an automated score was calculated to assess if this variant is too frequent to cause the disease. Based on the score and internal cut-off values, a variant classified as likely benign is not then subjected to further curation. The score for this variant resulted in a classification of likely benign for this disease.

Illumina Laboratory Services, Illumina
Classification: Likely benign for Autosomal recessive limb-girdle muscular dystrophy type 2J. Last evaluated: 2018-01-13. Review status: criteria provided, single submitter. Criteria: ICSL Variant Classification Criteria 13 December 2019. Collection method: clinical testing. Allele origin: germline.
Comment: the same text as in the submission from Illumina Laboratory Services, Illumina above.

Illumina Laboratory Services, Illumina
Classification: Benign for Myopathy, myofibrillar, 9, with early respiratory failure. Last evaluated: 2018-01-13. Review status: criteria provided, single submitter. Criteria: ICSL Variant Classification Criteria 13 December 2019. Collection method: clinical testing. Allele origin: germline.
Comment: the same text as in the submission from Illumina Laboratory Services, Illumina above.

Illumina Laboratory Services, Illumina
Classification: Likely benign for Early-onset myopathy with fatal cardiomyopathy. Last evaluated: 2018-01-13. Review status: criteria provided, single submitter. Criteria: ICSL Variant Classification Criteria 13 December 2019. Collection method: clinical testing. Allele origin: germline.
Comment: the same text as in the submission from Illumina Laboratory Services, Illumina above.

GeneDx
Classification: Benign. Last evaluated: 2017-04-10. Review status: criteria provided, single submitter. Criteria: GeneDx Variant Classification (06012015). Collection method: clinical testing. Allele origin: germline. Affected: yes.
Comment: This variant is considered likely benign or benign based on one or more of the following criteria: it is a conservative change, it occurs at a poorly conserved position in the protein, it is predicted to be benign by multiple in silico algorithms, and/or has population frequency not consistent with disease.

CHEO Genetics Diagnostic Laboratory, Children's Hospital of Eastern Ontario
Classification: Benign for Cardiomyopathy. Last evaluated: 2016-02-26. Review status: criteria provided, single submitter. Criteria: ACMG Guidelines, 2015. Collection method: clinical testing. Allele origin: germline. Study: Canadian Open Genetics Repository.

Laboratory for Molecular Medicine, Mass General Brigham Personalized Medicine
Classification: Likely benign. Last evaluated: 2012-06-01. Review status: criteria provided, single submitter. Criteria: LMM Criteria. Collection method: clinical testing. Allele origin: germline. Observed: 2 variant alleles.
Comment: Gly16402Gly in exon 240 of TTN: This variant is not expected to have clinical si gnificance because it does not alter an amino acid residue and is not located wi thin the splice consensus sequence. It has been identified in 1.6% (9/572) of As ian chromosomes from a broad population by the 1000 Genomes project (dbSNP rs148 299739). Gly16402Gly in exon 240 of TTN (rs148299739; allele frequency = 1.6%, 9/572)

Clinical Genetics, Academic Medical Center
Classification: Benign. Review status: no assertion criteria provided. Collection method: clinical testing. Allele origin: germline. Affected: yes. Study: VKGL Data-share Consensus. Not counted in ClinVar's aggregate classification.

Dr. Peter K. Rogan Lab, Western University
No classification provided (evidence only). Condition: Clear cell carcinoma of kidney. Review status: no classification provided. Collection method: in vitro. Allele origin: not applicable. Functional consequence: retained intron. Not counted in ClinVar's aggregate classification.

Joint Genome Diagnostic Labs from Nijmegen and Maastricht, Radboudumc and MUMC+
Classification: Likely benign. Review status: no assertion criteria provided. Collection method: clinical testing. Allele origin: germline. Affected: yes. Study: VKGL Data-share Consensus. Not counted in ClinVar's aggregate classification.

Literature cited by the submitters: PubMed 17344846 (cited by Athena Diagnostics).

NM_001267550.2(TTN):c.56910C>T (p.Gly18970=)

Genes: TTN (titin; minus strand), TTN-AS1 (TTN antisense RNA 1; plus strand). Cytogenetic location: 2q31.2.
Variant type: single nucleotide variant.
Coding change: c.56910C>T on transcript NM_001267550.2 (MANE Select); coding-DNA position 56910, C replaced by T.
Protein change: p.Gly18970=; no amino-acid change (glycine 18970 retained).
Molecular consequence: synonymous variant.
Genome position (GRCh38, 1-based): chr2:178,598,800, G>A on the plus strand (C>T on the coding strand, the complement: TTN is on the minus strand). VCF-style: chr2-178598800-G-A. GRCh37 (hg19) VCF-style: chr2-179463527-G-A.
Other names: c.56910C>T (NM_001267550.1); c.51987C>T, p.Gly17329= (NM_001256850.1); c.49206C>T, p.Gly16402= (NM_133378.4); c.29715C>T, p.Gly9905= (NM_003319.4); c.30090C>T, p.Gly10030= (NM_133432.3); c.30291C>T, p.Gly10097= (NM_133437.4).
Identifiers: ClinVar variation 47116 (VCV000047116.34), dbSNP rs148299739, ClinGen allele CA140049.
Genomic context (GRCh38, chr2:178,598,800, plus strand): 5'-AGGCTTACCAATTGGATCTCTAGCAGTCGCTGGGTCTGATGGCAGACTTGCTGGACCCAC[G>A]CCAGCAGCATTGATTGCATATACCCGGAATTGATAGTCGGAACCTTCAATAAGACCAGTC-3'
Protein context (NP_001254479.2, residues 18960-18980): QFRVYAINAA[Gly18970=]VGPASLPSDP